The following is an entry in ClinVar:

ClinVar aggregate classification (germline): Uncertain significance (1 of 4 stars; one submission).

Allele frequency attached by ClinVar (database versions not stated): gnomAD exomes below 0.00001; TOPMed 0.00002; ESP Exome Variant Server 0.00023.
gnomAD v4.1: 7 of 1,614,144 alleles (0.00043%); highest among the groups gnomAD compares: Non-Finnish European, 0.00059%; no homozygotes.

Submission:

Labcorp Genetics (formerly Invitae), Labcorp
Classification: Uncertain significance. Last evaluated: 2020-10-02. Review status: criteria provided, single submitter. Criteria: Invitae Variant Classification Sherloc (09022015). Collection method: clinical testing. Allele origin: germline.
Comment: This sequence change replaces lysine with asparagine at codon 759 of the CDHR1 protein (p.Lys759Asn). The lysine residue is moderately conserved and there is a moderate physicochemical difference between lysine and asparagine. This variant is not present in population databases (ExAC no frequency). This variant has not been reported in the literature in individuals with CDHR1-related conditions. Advanced modeling of protein sequence and biophysical properties (such as structural, functional, and spatial information, amino acid conservation, physicochemical variation, residue mobility, and thermodynamic stability) performed at Invitae indicates that this missense variant is not expected to disrupt CDHR1 protein function. In summary, the available evidence is currently insufficient to determine the role of this variant in disease. Therefore, it has been classified as a Variant of Uncertain Significance.

NM_033100.4(CDHR1):c.2277G>C (p.Lys759Asn)

Gene: CDHR1 (cadherin related family member 1; plus strand). Cytogenetic location: 10q23.1.
Variant type: single nucleotide variant.
Coding change: c.2277G>C on transcript NM_033100.4 (MANE Select); coding-DNA position 2277, G replaced by C.
Protein change: p.Lys759Asn; replaces lysine 759 with asparagine.
Molecular consequence: missense variant. On other transcripts: intron variant (1).
Genome position (GRCh38, 1-based): chr10:84,214,318, G>C. VCF-style: chr10-84214318-G-C. GRCh37 (hg19) VCF-style: chr10-85974074-G-C.
Other names: c.2040+970G>C (NM_001171971.3); short protein forms K759N.
Identifiers: ClinVar variation 1039399 (VCV001039399.8), dbSNP rs140766526, ClinGen allele CA210387554.
Genomic context (GRCh38, chr10:84,214,318, plus strand): 5'-GCTCCGCAAGCGGCCCAGCCCTGCGCCCCGCACCATCCGCATTGAGTGGCTCAAGTCCAA[G>C]AGCACCAAAGCCGCTACCAAGTTCATGCTCAAAGAGAAACCTCCCAATGAGAACTGTAAC-3'
Protein context (NP_149091.1, residues 749-769): RTIRIEWLKS[Lys759Asn]STKAATKFML